The following is an entry in ClinVar:

ClinVar aggregate classification (germline): Likely benign (1 of 4 stars; one submission).

Conditions:
Marfan syndrome (MFS). Also called: MARFAN SYNDROME, TYPE I; Marfan syndrome type 1; Marfan's syndrome; Marfan syndrome, classic; FBN1-Related Marfan Syndrome. Identifiers: Orphanet 284963, Orphanet 558, MedGen C0024796, MONDO:0007947, OMIM 154700.

Allele frequency attached by ClinVar (database versions not stated): ExAC 0.00001.
gnomAD v4.1: 2 of 1,613,586 alleles (0.00012%); highest among the groups gnomAD compares: Admixed American, 0.0033%; no homozygotes.

Submission:

All of Us Research Program, National Institutes of Health
Classification: Likely benign for Marfan syndrome. Last evaluated: 2023-08-15. Review status: criteria provided, single submitter. Criteria: ACMG Guidelines, 2015. Collection method: clinical testing. Allele origin: germline. Inheritance: Autosomal dominant inheritance. Observed: 1 variant allele, 1 heterozygote.
Comment: This study involves interpretation of variants in research participants for the purpose of population health screening. Participant phenotype was not available at the time of variant classification. Additional details can be found in publication PMID: 35346344, PMCID: PMC8962531

NM_000138.5(FBN1):c.6723C>T (p.Asp2241=)

Gene: FBN1 (fibrillin 1; minus strand). Cytogenetic location: 15q21.1.
Variant type: single nucleotide variant.
Coding change: c.6723C>T on transcript NM_000138.5 (MANE Select); coding-DNA position 6723, C replaced by T.
Protein change: p.Asp2241=; no amino-acid change (aspartic acid 2241 retained).
Molecular consequence: synonymous variant.
Genome position (GRCh38, 1-based): chr15:48,432,882, G>A on the plus strand (C>T on the coding strand, the complement: FBN1 is on the minus strand). VCF-style: chr15-48432882-G-A. GRCh37 (hg19) VCF-style: chr15-48725079-G-A.
Other names: c.6723C>T, p.Asp2241= (NM_001406716.1).
Identifiers: ClinVar variation 3072701 (VCV003072701.1), dbSNP rs770939266, ClinGen allele CA057266.